The following is an entry in ClinVar:

NM_004304.5(ALK):c.4333_4348del (p.Pro1445fs)

Gene: ALK (ALK receptor tyrosine kinase; minus strand). Cytogenetic location: 2p23.2.
Variant type: Deletion.
Coding change: c.4333_4348del on transcript NM_004304.5 (MANE Select); coding-DNA positions 4333 to 4348, 16 bases deleted (CCTACCACCTCCTCTG).
Protein change: p.Pro1445fs; shifts the reading frame from proline 1445.
Molecular consequence: frameshift variant.
Genome position (GRCh38, 1-based): chr2:29,193,739-29,193,754, CAGAGGAGGTGGTAGG deleted on the plus strand (CCTACCACCTCCTCTG on the coding strand, the reverse complement: ALK is on the minus strand); deleting any 16 consecutive bases within chr2:29,193,739-29,193,760 gives the same sequence; the c. name uses the placement nearest the transcript's 3' end. VCF-style (leftmost placement, unchanged base first): chr2-29193738-CCAGAGGAGGTGGTAGG-C. GRCh37 (hg19) VCF-style: chr2-29416604-CCAGAGGAGGTGGTAGG-C.
Other names: c.1129_1144del, p.Pro377fs (NM_001353765.2); short protein forms P1445fs, P377fs.
Identifiers: ClinVar variation 4272816 (VCV004272816.1).

ClinVar aggregate classification (germline): Uncertain significance (1 of 4 stars; one submission).

Conditions:
Hereditary cancer-predisposing syndrome. Also called: Hereditary Cancer Syndrome; Hereditary neoplastic syndrome; Neoplastic Syndromes, Hereditary; Tumor predisposition. Identifiers: Orphanet 140162, MedGen C0027672, MeSH D009386, MONDO:0015356.

Submission:

Ambry Genetics
Classification: Uncertain significance for Hereditary cancer-predisposing syndrome. Last evaluated: 2025-08-25. Review status: criteria provided, single submitter. Criteria: Ambry Variant Classification Scheme 2023. Collection method: clinical testing. Allele origin: germline.
Comment: The c.4333_4348del16 variant, located in coding exon 29 of the ALK gene, results from a deletion of 16 nucleotides at nucleotide positions 4333 to 4348, causing a translational frameshift with a predicted alternate stop codon (p.P1445Afs*27). This alteration occurs at the 3' terminus of theALK gene, is not expected to trigger nonsense-mediated mRNAdecay, and impacts the last 25% of the protein. The exact functional effect of this alteration is unknown. Based on the available evidence, the clinical significance of this variant remains unclear.